The following is an entry in ClinVar:

NM_177438.3(DICER1):c.3488A>G (p.Lys1163Arg)

Gene: DICER1 (dicer 1, ribonuclease III; minus strand). Cytogenetic location: 14q32.13.
Variant type: single nucleotide variant.
Coding change: c.3488A>G on transcript NM_177438.3 (MANE Select); coding-DNA position 3488, A replaced by G.
Protein change: p.Lys1163Arg; replaces lysine 1163 with arginine.
Molecular consequence: missense variant. On other transcripts: non-coding transcript variant (6).
Genome position (GRCh38, 1-based): chr14:95,103,908, T>C on the plus strand (A>G on the coding strand, the complement: DICER1 is on the minus strand). VCF-style: chr14-95103908-T-C. GRCh37 (hg19) VCF-style: chr14-95570245-T-C.
Other names: c.3488A>G, p.Lys1163Arg (NM_001195573.1, NM_001271282.3, NM_001291628.2 and 13 more transcripts); c.3206A>G, p.Lys1069Arg (NM_001395686.1); c.3083A>G, p.Lys1028Arg (NM_001395687.1, NM_001395688.1, NM_001395689.1 and 2 more transcripts); c.2921A>G, p.Lys974Arg (NM_001395691.1); c.1805A>G, p.Lys602Arg (NM_001395697.1); short protein forms K1069R, K1028R, K1163R, K602R, K974R.
Identifiers: ClinVar variation 1731891 (VCV001731891.2), dbSNP rs2542711862, ClinGen allele CA390875219.

ClinVar aggregate classification (germline): Uncertain significance (1 of 4 stars; one submission).

Conditions:
Hereditary cancer-predisposing syndrome. Also called: Neoplastic Syndromes, Hereditary; Tumor predisposition; Hereditary Cancer Syndrome; Hereditary neoplastic syndrome. Identifiers: Orphanet 140162, MedGen C0027672, MeSH D009386, MONDO:0015356.

Submission:

Ambry Genetics
Classification: Uncertain significance for Hereditary cancer-predisposing syndrome. Last evaluated: 2020-03-12. Review status: criteria provided, single submitter. Criteria: Ambry Variant Classification Scheme 2023. Collection method: clinical testing. Allele origin: germline.
Comment: The p.K1163R variant (also known as c.3488A>G), located in coding exon 20 of the DICER1 gene, results from an A to G substitution at nucleotide position 3488. The lysine at codon 1163 is replaced by arginine, an amino acid with highly similar properties. This amino acid position is well conserved in available vertebrate species. In addition, this alteration is predicted to be tolerated by in silico analysis. Since supporting evidence is limited at this time, the clinical significance of this alteration remains unclear.